The following is an entry in ClinVar:

ClinVar aggregate classification (germline): Conflicting classifications of pathogenicity. Review status: criteria provided, conflicting classifications (1 of 4 stars). 13 submissions from 13 submitters: Uncertain significance (8); Likely benign (3). 2 of the submissions do not count toward it. Last evaluated 2026-02-02.

Conditions:
BARD1-related disorder. Also called: BARD1-related condition.
Hereditary cancer-predisposing syndrome. Also called: Neoplastic Syndromes, Hereditary; Tumor predisposition; Hereditary Cancer Syndrome; Hereditary neoplastic syndrome. Identifiers: Orphanet 140162, MedGen C0027672, MeSH D009386, MONDO:0015356.
Familial cancer of breast. Also called: hereditary breast carcinoma; Hereditary breast cancer; BREAST CANCER, FAMILIAL. Identifiers: Orphanet 227535, MedGen C0346153, MONDO:0016419, OMIM 114480. Disease mechanism: loss of function.
Malignant tumor of breast. Also called: Cancer breast; Malignant breast neoplasm. Identifiers: MedGen C0006142, MONDO:0007254. Disease mechanism: loss of function.

Allele frequency attached by ClinVar (database versions not stated): ExAC 0.00003; TOPMed 0.00003; gnomAD 0.00004; gnomAD exomes 0.00005 and 0.00007; ESP Exome Variant Server 0.00015.
gnomAD v4.1: 113 of 1,613,314 alleles (0.007%); highest among the groups gnomAD compares: Non-Finnish European, 0.0092%; no homozygotes.

Submissions (14):

Labcorp Genetics (formerly Invitae), Labcorp
Classification: Uncertain significance for Familial cancer of breast. Last evaluated: 2026-02-02. Review status: criteria provided, single submitter. Criteria: Invitae Variant Classification Sherloc (09022015). Collection method: clinical testing. Allele origin: germline.
Comment: This sequence change replaces asparagine, which is neutral and polar, with serine, which is neutral and polar, at codon 118 of the BARD1 protein (p.Asn118Ser). This variant is present in population databases (rs142864491, gnomAD 0.009%). This variant has not been reported in the literature in individuals affected with BARD1-related conditions. ClinVar contains an entry for this variant (Variation ID: 127738). An algorithm developed to predict the effect of missense changes on protein structure and function outputs the following: PolyPhen-2: "Benign". The serine amino acid residue is found in multiple mammalian species, which suggests that this missense change does not adversely affect protein function. Experimental studies have shown that this missense change does not substantially affect BARD1 function (PMID: 30925164). RNA analysis performed to evaluate the impact of this missense change on mRNA splicing indicates it does not significantly alter splicing (internal data). In summary, the available evidence is currently insufficient to determine the role of this variant in disease. Therefore, it has been classified as a Variant of Uncertain Significance.

PreventionGenetics, part of Exact Sciences
Classification: Uncertain significance for BARD1-related condition. Last evaluated: 2025-09-02. Review status: criteria provided, single submitter. Criteria: ACMG Guidelines, 2015. Collection method: clinical testing. Allele origin: germline.
Comment: The BARD1 c.353A>G variant is predicted to result in the amino acid substitution p.Asn118Ser. This variant has been reported in an individual with pancreatic cancer (Supplemental Table 2, Chaffee et al. 2017. PubMed ID: 28726808). In an in vitro reporter assay this variant has been shown to have similar homology-directed repair activity to the normal allele (Figure 2, Table S1, Adamovich et al. 2019. PubMed ID: 30925164). This variant is reported in 0.010% of alleles in individuals of European (Non-Finnish) descent in gnomAD and is listed in ClinVar with conflicting interpretations of likely benign and uncertain significance (Variation ID: 127738). At this time, the clinical significance of this variant is uncertain due to the absence of conclusive functional and genetic evidence.

Women's Health and Genetics/Laboratory Corporation of America, LabCorp
Classification: Uncertain significance. Last evaluated: 2025-02-11. Review status: criteria provided, single submitter. Criteria: LabCorp Variant Classification Summary - May 2015. Collection method: clinical testing. Allele origin: germline.
Comment: Variant summary: BARD1 c.353A>G (p.Asn118Ser) results in a conservative amino acid change located in the RING finger, HC subclass, found in BRCA1-associated RING domain protein 1 (BARD-1) and similar proteins domain (IPR039503) of the encoded protein sequence. Five of five in-silico tools predict a benign effect of the variant on protein function. The variant allele was found at a frequency of 4.8e-05 in 251014 control chromosomes. This frequency is not significantly higher than estimated for a pathogenic variant in BARD1 causing Hereditary Breast And Ovarian Cancer Syndrome (4.8e-05 vs 0.00025), allowing no conclusion about variant significance. c.353A>G has been reported in the presumed heterozygous state in the literature in individuals affected with clinical features of BARD1-related conditions or other cancers (example, Chaffee_2018, Bono_2021, Guindalini_2022), without strong evidence for causality. These report(s) do not provide unequivocal conclusions about association of the variant with Hereditary Breast And Ovarian Cancer Syndrome. At least one publication reports experimental evidence evaluating an impact on protein function in vitro. These results showed no damaging effect of this variant in an HDR assay (example, Adamovich_2019). The following publications have been ascertained in the context of this evaluation (PMID: 30925164, 34371384, 28726808, 35264596). ClinVar contains an entry for this variant (Variation ID: 127738). Based on the evidence outlined above, the variant was classified as uncertain significance.

Color Diagnostics, LLC DBA Color Health
Classification: Likely benign for Hereditary cancer-predisposing syndrome. Last evaluated: 2024-09-19. Review status: criteria provided, single submitter. Criteria: ACMG Guidelines, 2015. Collection method: clinical testing. Allele origin: germline.

GeneDx
Classification: Uncertain significance. Last evaluated: 2024-02-12. Review status: criteria provided, single submitter. Criteria: GeneDx Variant Classification Process June 2021. Collection method: clinical testing. Allele origin: germline. Affected: yes.
Comment: Published functional studies demonstrate homology-directed repair similar to wild-type (PMID: 30925164); In silico analysis supports that this missense variant does not alter protein structure/function; This variant is associated with the following publications: (PMID: 33922147, 35264596, 28726808, 30925164, 18480049, 14647430, 25085752, 38136308)

Institute for Biomarker Research, Medical Diagnostic Laboratories, L.L.C.
Classification: Uncertain significance for Hereditary cancer-predisposing syndrome. Last evaluated: 2023-11-14. Review status: criteria provided, single submitter. Criteria: ACMG Guidelines, 2015. Collection method: clinical testing. Allele origin: germline.

Laboratorio de Genetica e Diagnostico Molecular, Hospital Israelita Albert Einstein
Classification: Uncertain significance for Familial cancer of breast. Last evaluated: 2023-09-23. Review status: criteria provided, single submitter. Criteria: ACMG Guidelines, 2015. Collection method: clinical testing. Allele origin: germline. Affected: yes.
Comment: ACMG classification criteria: BP4 supporting

Myriad Genetics, Inc.
Classification: Likely benign for Familial cancer of breast. Last evaluated: 2023-02-24. Review status: criteria provided, single submitter. Criteria: Myriad Autosomal Dominant, Autosomal Recessive and X-Linked Classification Criteria (2023). Collection method: clinical testing. Allele origin: unknown.
Comment: This variant is considered likely benign. This variant is strongly associated with less severe personal and family histories of cancer, typical for individuals without pathogenic variants in this gene [PMID: 25085752].

Ambry Genetics
Classification: Likely benign for Hereditary cancer-predisposing syndrome. Last evaluated: 2021-08-30. Review status: criteria provided, single submitter. Criteria: Ambry Variant Classification Scheme 2023. Collection method: clinical testing. Allele origin: germline.

Quest Diagnostics Nichols Institute San Juan Capistrano
Classification: Uncertain significance. Last evaluated: 2020-02-28. Review status: criteria provided, single submitter. Criteria: Quest Diagnostics criteria. Collection method: clinical testing. Allele origin: unknown.

Mendelics
Classification: Uncertain significance for Familial cancer of breast. Last evaluated: 2018-07-02. Review status: criteria provided, single submitter. Criteria: Mendelics Assertion Criteria 2017. Collection method: clinical testing. Allele origin: unknown.

Counsyl
Classification: Uncertain significance for Familial cancer of breast. Last evaluated: 2017-03-24. Review status: no assertion criteria provided. Collection method: clinical testing. Allele origin: unknown. Not counted in ClinVar's aggregate classification.

Department of Pathology and Laboratory Medicine, Sinai Health System
Classification: Uncertain significance for Malignant tumor of breast. Review status: no assertion criteria provided. Collection method: clinical testing. Allele origin: unknown. Affected: yes. Observed: 1 variant allele. Study: The Canadian Open Genetics Repository (COGR). Not counted in ClinVar's aggregate classification.
Comment: The BARD1 p.Asn118Ser variant was not identified in the literature nor was it identified in the Cosmic, MutDB, databases. The variant was identified in dbSNP (ID: rs142864491) as â€šÃ„ÃºWith Uncertain significance allele,â€šÃ„Ã¹ ClinVar (classified as uncertain significance by GeneDx, Ambry Genetics, Invitae), Zhejiang Colon Cancer Database. The variant was identified in control databases in 13 of 276666 chromosomes at a frequency of 0.000047 in the following populations: European (Non-Finnish) in 12 of 126474 chromosomes (freq. 0.00009), and African in 1 of 24008 chromosomes (freq. 0.00004) (Genome Aggregation Consortium Feb 27, 2017). The p.Asn118 residue is not conserved in mammals and computational analyses (PolyPhen-2, SIFT, AlignGVGD, BLOSUM, MutationTaster) do not suggest a high likelihood of impact to the protein; however, this information is not predictive enough to rule out pathogenicity. The variant occurs outside of the splicing consensus sequence and 3 of 5 in silico or computational prediction software programs (SpliceSiteFinder, MaxEntScan, NNSPLICE, GeneSplicer, HumanSpliceFinder) predict a greater than 10% difference in splicing. However, this information is not predictive enough to assume pathogenicity. In summary, based on the above information, the clinical significance of this variant cannot be determined with certainty at this time. This variant is classified as a variant of uncertain significance.

Dr. Peter K. Rogan Lab, Western University
No classification provided (evidence only). Condition: Clear cell carcinoma of kidney. Review status: no classification provided. Collection method: in vitro. Allele origin: not applicable. Functional consequence: retained intron. Not counted in ClinVar's aggregate classification.

Literature cited by the submitters: PubMed 30925164 (cited by 3 submitters); PubMed 28726808 (cited by Women's Health and Genetics/Laboratory Corporation of America, LabCorp); PubMed 34371384 (cited by Women's Health and Genetics/Laboratory Corporation of America, LabCorp); PubMed 35264596 (cited by Women's Health and Genetics/Laboratory Corporation of America, LabCorp); PubMed 25085752 (cited by Myriad Genetics, Inc.).

NM_000465.4(BARD1):c.353A>G (p.Asn118Ser)

Gene: BARD1 (BRCA1 associated RING domain 1; minus strand). Cytogenetic location: 2q35.
Variant type: single nucleotide variant.
Coding change: c.353A>G on transcript NM_000465.4 (MANE Select); coding-DNA position 353, A replaced by G.
Protein change: p.Asn118Ser; replaces asparagine 118 with serine.
Molecular consequence: missense variant. On other transcripts: non-coding transcript variant (1), intron variant (2).
Genome position (GRCh38, 1-based): chr2:214,792,308, T>C on the plus strand (A>G on the coding strand, the complement: BARD1 is on the minus strand). VCF-style: chr2-214792308-T-C. GRCh37 (hg19) VCF-style: chr2-215657032-T-C.
Other names: p.N118S:AAT>AGT; c.296A>G, p.Asn99Ser (NM_001282543.2); c.353A>G, p.Asn118Ser (NM_001282549.2); c.158+17104A>G (NM_001282548.2); c.215+4753A>G (NM_001282545.2); short protein forms N118S, N99S.
Identifiers: ClinVar variation 127738 (VCV000127738.35), dbSNP rs142864491, ClinGen allele CA287545.